The following is an entry in ClinVar:

ClinVar aggregate classification (germline): Uncertain significance (1 of 4 stars; one submission).

gnomAD v4.1: 9 of 1,614,042 alleles (0.00056%); highest among the groups gnomAD compares: Non-Finnish European, 0.00076%; no homozygotes.

Submission:

Labcorp Genetics (formerly Invitae), Labcorp
Classification: Uncertain significance. Last evaluated: 2024-02-02. Review status: criteria provided, single submitter. Criteria: Invitae Variant Classification Sherloc (09022015). Collection method: clinical testing. Allele origin: germline.
Comment: This sequence change replaces threonine, which is neutral and polar, with asparagine, which is neutral and polar, at codon 353 of the WNT2B protein (p.Thr353Asn). This variant is present in population databases (no rsID available, gnomAD 0.03%). This variant has not been reported in the literature in individuals affected with WNT2B-related conditions. An algorithm developed to predict the effect of missense changes on protein structure and function (PolyPhen-2) suggests that this variant is likely to be disruptive. In summary, the available evidence is currently insufficient to determine the role of this variant in disease. Therefore, it has been classified as a Variant of Uncertain Significance.

NM_024494.3(WNT2B):c.1058C>A (p.Thr353Asn)

Genes: ST7L (suppression of tumorigenicity 7 like; minus strand), WNT2B (Wnt family member 2B; plus strand). Cytogenetic location: 1p13.2.
Variant type: single nucleotide variant.
Coding change: c.1058C>A on transcript NM_024494.3 (MANE Select); coding-DNA position 1058, C replaced by A.
Protein change: p.Thr353Asn; replaces threonine 353 with asparagine.
Molecular consequence: missense variant.
Genome position (GRCh38, 1-based): chr1:112,520,391, C>A. VCF-style: chr1-112520391-C-A. GRCh37 (hg19) VCF-style: chr1-113063013-C-A.
Other names: c.782C>A, p.Thr261Asn (NM_001291880.1); c.1001C>A, p.Thr334Asn (NM_004185.4); short protein forms T353N, T261N, T334N.
Identifiers: ClinVar variation 3698165 (VCV003698165.2).